The following is an entry in ClinVar:

NM_000059.4(BRCA2):c.3416A>T (p.Lys1139Met)

Gene: BRCA2 (BRCA2 DNA repair associated; plus strand). Cytogenetic location: 13q13.1.
Variant type: single nucleotide variant.
Coding change: c.3416A>T on transcript NM_000059.4 (MANE Select); coding-DNA position 3416, A replaced by T.
Protein change: p.Lys1139Met; replaces lysine 1139 with methionine.
Molecular consequence: missense variant.
Genome position (GRCh38, 1-based): chr13:32,337,771, A>T. VCF-style: chr13-32337771-A-T. GRCh37 (hg19) VCF-style: chr13-32911908-A-T.
Other names: c.3416A>T, p.Lys1139Met (NM_001406719.1, NM_001406720.1); short protein forms K1139M.
Identifiers: ClinVar variation 1718627 (VCV001718627.7), dbSNP rs2548525900, ClinGen allele CA387776499.
Genomic context (GRCh38, chr13:32,337,771, plus strand): 5'-AAGAATCAGGAAGTCAGTTTGAATTTACTCAGTTTAGAAAACCAAGCTACATATTGCAGA[A>T]GAGTACATTTGAAGTGCCTGAAAACCAGATGACTATCTTAAAGACCACTTCTGAGGAATG-3'
Protein context (NP_000050.3, residues 1129-1149): QFRKPSYILQ[Lys1139Met]STFEVPENQM

ClinVar aggregate classification (germline): Conflicting classifications of pathogenicity. Review status: criteria provided, conflicting classifications (1 of 4 stars). 2 submissions from 2 submitters: Uncertain significance (1); Likely benign (1). Last evaluated 2023-06-14.

Conditions:
Hereditary cancer-predisposing syndrome. Also called: Hereditary neoplastic syndrome; Neoplastic Syndromes, Hereditary; Hereditary Cancer Syndrome; Tumor predisposition. Identifiers: Orphanet 140162, MedGen C0027672, MeSH D009386, MONDO:0015356.
Hereditary breast ovarian cancer syndrome. Also called: BRCA1- and BRCA2-Associated Hereditary Breast and Ovarian Cancer; Hereditary breast and ovarian cancer syndrome (HBOC); Hereditary breast and/or ovarian cancer syndrome; Hereditary breast and ovarian cancer syndrome; Hereditary breast and ovarian cancer; Breast and ovarian cancer. Identifiers: Orphanet 145, MedGen C0677776, MeSH D061325, MONDO:0003582. Disease mechanism: loss of function.

Submissions (2):

Labcorp Genetics (formerly Invitae), Labcorp
Classification: Uncertain significance for Hereditary breast ovarian cancer syndrome. Last evaluated: 2023-06-14. Review status: criteria provided, single submitter. Criteria: Invitae Variant Classification Sherloc (09022015). Collection method: clinical testing. Allele origin: germline.
Comment: In summary, the available evidence is currently insufficient to determine the role of this variant in disease. Therefore, it has been classified as a Variant of Uncertain Significance. Advanced modeling of protein sequence and biophysical properties (such as structural, functional, and spatial information, amino acid conservation, physicochemical variation, residue mobility, and thermodynamic stability) performed at Invitae indicates that this missense variant is not expected to disrupt BRCA2 protein function. ClinVar contains an entry for this variant (Variation ID: 1718627). This variant has not been reported in the literature in individuals affected with BRCA2-related conditions. This variant is not present in population databases (gnomAD no frequency). This sequence change replaces lysine, which is basic and polar, with methionine, which is neutral and non-polar, at codon 1139 of the BRCA2 protein (p.Lys1139Met).

University of Washington Department of Laboratory Medicine, University of Washington
Classification: Likely benign for Hereditary cancer-predisposing syndrome. Last evaluated: 2023-03-23. Review status: criteria provided, single submitter. Criteria: Dines et al. (Genet Med. 2020). Collection method: curation. Allele origin: germline.
Comment: Missense variant in a coldspot region where missense variants are very unlikely to be pathogenic (PMID:31911673).

BRCA2 exon 11 coldspot. Reclassification based on statistical prior probability.